The following is an entry in ClinVar:

ClinVar aggregate classification (germline): Uncertain significance (1 of 4 stars; one submission).

Submission:

Labcorp Genetics (formerly Invitae), Labcorp
Classification: Uncertain significance. Last evaluated: 2025-09-18. Review status: criteria provided, single submitter. Criteria: Invitae Variant Classification Sherloc (09022015). Collection method: clinical testing. Allele origin: germline.
Comment: This sequence change replaces glutamic acid, which is acidic and polar, with lysine, which is basic and polar, at codon 253 of the DSPP protein (p.Glu253Lys). This variant is not present in population databases (gnomAD no frequency). This variant has not been reported in the literature in individuals affected with DSPP-related conditions. An algorithm developed to predict the effect of missense changes on protein structure and function (PolyPhen-2) suggests that this variant is likely to be disruptive. In summary, the available evidence is currently insufficient to determine the role of this variant in disease. Therefore, it has been classified as a Variant of Uncertain Significance.

NM_014208.3(DSPP):c.757G>A (p.Glu253Lys)

Genes: DMP1-AS1 (DMP1 and DSPP antisense RNA 1; minus strand), DSPP (dentin sialophosphoprotein; plus strand). Cytogenetic location: 4q22.1.
Variant type: single nucleotide variant.
Coding change: c.757G>A on transcript NM_014208.3 (MANE Select); coding-DNA position 757, G replaced by A.
Protein change: p.Glu253Lys; replaces glutamic acid 253 with lysine.
Molecular consequence: missense variant.
Genome position (GRCh38, 1-based): chr4:87,612,943, G>A. VCF-style: chr4-87612943-G-A. GRCh37 (hg19) VCF-style: chr4-88534095-G-A.
Other names: short protein forms E253K.
Identifiers: ClinVar variation 4703833 (VCV004703833.1).